The following is an entry in ClinVar:

NM_203446.3(SYNJ1):c.3551_3552insGCA (p.Ala1184_Gly1185insGln)

Gene: SYNJ1 (synaptojanin 1; minus strand). Cytogenetic location: 21q22.11.
Variant type: Insertion.
Coding change: c.3551_3552insGCA on transcript NM_203446.3 (MANE Select); coding-DNA positions 3551 to 3552, GCA inserted.
Protein change: p.Ala1184_Gly1185insGln.
Molecular consequence: inframe insertion. On other transcripts: inframe indel (2).
Genome position: GRCh38 VCF-style: chr21-32641932-T-TTGC. GRCh37 (hg19) VCF-style: chr21-34014242-T-TTGC.
Other names: c.3503_3504insGCA, p.Ala1168_Gly1169insGln (NM_001160302.2); c.3410_3411insGCA, p.Ala1137_Gly1138insGln (NM_001160306.2); c.3668_3669insGCA, p.Ala1223_Gly1224insGln (NM_003895.4).
Identifiers: ClinVar variation 1356868 (VCV001356868.8), dbSNP rs779358822, ClinGen allele CA10003346.
Genomic context (GRCh38, chr21:32,641,932, plus strand): 5'-GGCCCCAGGCGAGGTTTTACCTACCGGTCTGGCTGTACTGTATCCAGCAGGTCCTGGGCC[T>TTGC]GCAAGTCCTGCTTGAGGTGAAGGCTGACTGCGTCCTGGAACAAAGACATCATATCATATA-3'

ClinVar aggregate classification (germline): Uncertain significance (1 of 4 stars; one submission).

Conditions:
Early-onset Parkinson disease 20. Also called: PARKINSON DISEASE 20, AUTOSOMAL RECESSIVE EARLY-ONSET. Identifiers: Orphanet 391411, MedGen C3809824, MONDO:0014233, OMIM 615530.
Developmental and epileptic encephalopathy, 53. Also called: Epileptic encephalopathy, early infantile, 53. Identifiers: MedGen C4479313, MONDO:0033362, OMIM 617389.

Allele frequency attached by ClinVar (database versions not stated): gnomAD exomes below 0.00001; ExAC 0.00001; gnomAD 0.00001; 1000 Genomes Project 30x 0.00031.

Submission:

Labcorp Genetics (formerly Invitae), Labcorp
Classification: Uncertain significance for Developmental and epileptic encephalopathy, 53; Early-onset Parkinson disease 20. Last evaluated: 2022-02-05. Review status: criteria provided, single submitter. Criteria: Invitae Variant Classification Sherloc (09022015). Collection method: clinical testing. Allele origin: germline.
Comment: This variant, c.3668_3669insGCA, results in the insertion of 1 amino acid(s) of the SYNJ1 protein (p.Ala1223_Gly1224insGln), but otherwise preserves the integrity of the reading frame. This variant is present in population databases (rs779358822, gnomAD 0.0009%). This variant has not been reported in the literature in individuals affected with SYNJ1-related conditions. Experimental studies and prediction algorithms are not available or were not evaluated, and the functional significance of this variant is currently unknown. In summary, the available evidence is currently insufficient to determine the role of this variant in disease. Therefore, it has been classified as a Variant of Uncertain Significance.